The following is an entry in ClinVar:

NM_004933.3(CDH15):c.2319C>T (p.Phe773=)

Gene: CDH15 (cadherin 15; plus strand). Cytogenetic location: 16q24.3.
Variant type: single nucleotide variant.
Coding change: c.2319C>T on transcript NM_004933.3 (MANE Select); coding-DNA position 2319, C replaced by T.
Protein change: p.Phe773=; no amino-acid change (phenylalanine 773 retained).
Molecular consequence: synonymous variant.
Genome position (GRCh38, 1-based): chr16:89,195,029, C>T. VCF-style: chr16-89195029-C-T. GRCh37 (hg19) VCF-style: chr16-89261437-C-T.
Identifiers: ClinVar variation 434632 (VCV000434632.30), dbSNP rs768569547, ClinGen allele CA8239648.

ClinVar aggregate classification (germline): Likely benign. Review status: criteria provided, multiple submitters, no conflicts (2 of 4 stars). 2 submissions from 2 submitters: Likely benign (2). Last evaluated 2023-09-01.

Allele frequency attached by ClinVar (database versions not stated): ExAC 0.00001; gnomAD exomes 0.00002; TOPMed 0.00002; gnomAD 0.00005.
gnomAD v4.1: 36 of 1,612,286 alleles (0.0022%); highest among the groups gnomAD compares: South Asian, 0.0055%; no homozygotes.

Submissions (2):

CeGaT Center for Human Genetics Tuebingen
Classification: Likely benign. Last evaluated: 2023-09-01. Review status: criteria provided, single submitter. Criteria: CeGaT Center For Human Genetics Tuebingen Variant Classification Criteria Version 2. Collection method: clinical testing. Allele origin: germline. Affected: yes. Observed: 1 variant allele.
Comment: CDH15: BP4, BP7

Genetic Services Laboratory, University of Chicago
Classification: Likely benign. Last evaluated: 2016-03-23. Review status: criteria provided, single submitter. Criteria: ACMG Guidelines, 2015. Collection method: clinical testing. Allele origin: germline. Affected: no.